The following is an entry in ClinVar:

NM_005219.5(DIAPH1):c.1096G>C (p.Asp366His)

Gene: DIAPH1 (diaphanous related formin 1; minus strand). Cytogenetic location: 5q31.3.
Variant type: single nucleotide variant.
Coding change: c.1096G>C on transcript NM_005219.5 (MANE Select); coding-DNA position 1096, G replaced by C.
Protein change: p.Asp366His; replaces aspartic acid 366 with histidine.
Molecular consequence: missense variant.
Genome position (GRCh38, 1-based): chr5:141,578,292, C>G on the plus strand (G>C on the coding strand, the complement: DIAPH1 is on the minus strand). VCF-style: chr5-141578292-C-G. GRCh37 (hg19) VCF-style: chr5-140957859-C-G.
Other names: c.1069G>C, p.Asp357His (NM_001079812.3); c.1096G>C, p.Asp366His (NM_001314007.2); short protein forms D357H, D366H.
Identifiers: ClinVar variation 2085482 (VCV002085482.4), dbSNP rs1264517616, ClinGen allele CA361531421.
Genomic context (GRCh38, chr5:141,578,292, plus strand): 5'-CCATGCGAATGTCATCCAGCCGTCCCTTCAGGTCATAGGAATCCTCTTCCCCTTGTTCAT[C>G]AAACACATTTAGTTGCACTCTCATATCTTCATTTTCAATCTCTCGAAGGTCCTGTCAACA-3'
Protein context (NP_005210.3, residues 356-376): EDMRVQLNVF[Asp366His]EQGEEDSYDL

ClinVar aggregate classification (germline): Uncertain significance (1 of 4 stars; one submission).

Conditions:
Progressive microcephaly-seizures-cortical blindness-developmental delay syndrome. Also called: Seizures, cortical blindness, and microcephaly syndrome. Identifiers: Orphanet 477814, MedGen C5567650, MONDO:0014714, OMIM 616632.
Autosomal dominant nonsyndromic hearing loss 1. Also called: DEAFNESS, AUTOSOMAL DOMINANT 1, WITH OR WITHOUT THROMBOCYTOPENIA; KONIGSMARK SYNDROME. Identifiers: Orphanet 90635, MedGen C1852282, MONDO:0007424, OMIM 124900.

Allele frequency attached by ClinVar (database versions not stated): gnomAD exomes below 0.00001.
gnomAD v4.1: 1 of 1,614,184 alleles (0.000062%); highest among the groups gnomAD compares: Non-Finnish European, 0.000085%; no homozygotes.

Submission:

Labcorp Genetics (formerly Invitae), Labcorp
Classification: Uncertain significance for Progressive microcephaly-seizures-cortical blindness-developmental delay syndrome; Autosomal dominant nonsyndromic hearing loss 1. Last evaluated: 2022-08-18. Review status: criteria provided, single submitter. Criteria: Invitae Variant Classification Sherloc (09022015). Collection method: clinical testing. Allele origin: germline.
Comment: In summary, the available evidence is currently insufficient to determine the role of this variant in disease. Therefore, it has been classified as a Variant of Uncertain Significance. Algorithms developed to predict the effect of missense changes on protein structure and function are either unavailable or do not agree on the potential impact of this missense change (SIFT: "Deleterious"; PolyPhen-2: "Not Available"; Align-GVGD: "Class C0"). This variant has not been reported in the literature in individuals affected with DIAPH1-related conditions. This variant is present in population databases (no rsID available, gnomAD 0.0009%). This sequence change replaces aspartic acid, which is acidic and polar, with histidine, which is basic and polar, at codon 366 of the DIAPH1 protein (p.Asp366His).